The following is an entry in ClinVar:

NM_001379029.1(CERT1):c.496A>G (p.Thr166Ala)

Gene: CERT1 (ceramide transporter 1; minus strand). Cytogenetic location: 5q13.3.
Variant type: single nucleotide variant.
Coding change: c.496A>G on transcript NM_001379029.1 (MANE Select); coding-DNA position 496, A replaced by G.
Protein change: p.Thr166Ala; replaces threonine 166 with alanine.
Molecular consequence: missense variant.
Genome position (GRCh38, 1-based): chr5:75,425,460, T>C on the plus strand (A>G on the coding strand, the complement: CERT1 is on the minus strand). VCF-style: chr5-75425460-T-C. GRCh37 (hg19) VCF-style: chr5-74721285-T-C.
Other names: c.880A>G, p.Thr294Ala (NM_001130105.1); c.496A>G, p.Thr166Ala (NM_001379002.1, NM_001379003.1, NM_001379004.1 and 2 more transcripts); short protein forms T166A, T294A.
Identifiers: ClinVar variation 977354 (VCV000977354.4), dbSNP rs1580752093, ClinGen allele CA360136212.
Genomic context (GRCh38, chr5:75,425,460, plus strand): 5'-CACAGGCATCAAAGTACTTCTGTAGCGTGTCAACTTGTCTACATAAGATGTCTCTAAATG[T>C]TTCCATTTCAGCCAACTTCTCACGTAAACTGTGGCCTTTCTGCAAAACATAAAATAGGGG-3'
Protein context (NP_001365958.1, residues 156-176): SLREKLAEME[Thr166Ala]FRDILCRQVD

ClinVar aggregate classification (germline): Pathogenic/Likely pathogenic. Review status: criteria provided, multiple submitters, no conflicts (2 of 4 stars). 2 submissions from 2 submitters: Pathogenic (1); Likely pathogenic (1). Last evaluated 2026-06-12.

Conditions:
Intellectual disability, autosomal dominant 34 (NEDHSF). Also called: Ceramide Transporter Syndrome; INTELLECTUAL DEVELOPMENTAL DISORDER, AUTOSOMAL DOMINANT 34; NEURODEVELOPMENTAL DISORDER WITH HYPOTONIA, SPEECH DELAY, AND DYSMORPHIC FACIES; CERTRA SYNDROME. Identifiers: MedGen C4225156, MONDO:0014599, OMIM 616351.

Submissions (2):

Women's Health and Genetics/Laboratory Corporation of America, LabCorp
Classification: Pathogenic for Intellectual disability, autosomal dominant 34. Last evaluated: 2026-06-12. Review status: criteria provided, single submitter. Criteria: LabCorp Variant Classification Summary - May 2015. Collection method: clinical testing. Allele origin: germline.
Comment: Variant summary: CERT1 c.880A>G (p.Thr294Ala) results in a non-conservative amino acid change in the encoded protein sequence. Algorithms developed to predict the effect of missense changes on protein structure and function are either unavailable or do not agree on the potential impact of this missense change. The variant was absent in 251296 control chromosomes. c.880A>G has been observed de novo in multiple individuals affected with CERT1-related autosomal dominant intellectual disability (e.g. Gehin_2023, internal data). These data indicate that the variant is likely associated with disease. To our knowledge, no experimental evidence demonstrating an impact on protein function has been reported. The following publication has been ascertained in the context of this evaluation (PMID: 36976648). ClinVar contains an entry for this variant (Variation ID: 977354). Based on the evidence outlined above, the variant was classified as pathogenic.

New York Genome Center
Classification: Likely pathogenic for Intellectual disability, autosomal dominant 34. Last evaluated: 2020-02-25. Review status: criteria provided, single submitter. Criteria: NYGC Assertion Criteria 2020. Collection method: clinical testing. Allele origin: de novo. Affected: yes. Observed: 1 heterozygote. Study: CSER-NYCKidSeq.
Comment: The variant is absent from the gnomAD database indicating it is an extremely rare allele in the general population. The p.Thr294Ala affects a highly conserved residue and is predicted deleterious by multiple in silico tools. However, functional studies are required to determine the functional consequences of this variant on normal function of COL4A3BPprotein.

Literature cited by the submitters: PubMed 36976648 (cited by Women's Health and Genetics/Laboratory Corporation of America, LabCorp); PubMed 25363768 (cited by New York Genome Center).